The following is an entry in ClinVar:

ClinVar aggregate classification (germline): Uncertain significance (1 of 4 stars; one submission).

Conditions:
Peroxisome biogenesis disorder, complementation group 7 (CG7). Also called: Peroxisome biogenesis disorder, complementation group B. Identifiers: MedGen C1864399.

Submission:

Labcorp Genetics (formerly Invitae), Labcorp
Classification: Uncertain significance for Peroxisome biogenesis disorder, complementation group 7. Last evaluated: 2021-12-15. Review status: criteria provided, single submitter. Criteria: Invitae Variant Classification Sherloc (09022015). Collection method: clinical testing. Allele origin: germline.
Comment: This sequence change replaces glutamic acid, which is acidic and polar, with glycine, which is neutral and non-polar, at codon 10 of the PEX10 protein (p.Glu10Gly). This variant is not present in population databases (gnomAD no frequency). This variant has not been reported in the literature in individuals affected with PEX10-related conditions. Algorithms developed to predict the effect of missense changes on protein structure and function are either unavailable or do not agree on the potential impact of this missense change (SIFT: "Tolerated"; PolyPhen-2: "Possibly Damaging"; Align-GVGD: "Class C0"). In summary, the available evidence is currently insufficient to determine the role of this variant in disease. Therefore, it has been classified as a Variant of Uncertain Significance.

NM_002617.4(PEX10):c.29A>G (p.Glu10Gly)

Gene: PEX10 (peroxisomal biogenesis factor 10; minus strand). Cytogenetic location: 1p36.32.
Variant type: single nucleotide variant.
Coding change: c.29A>G on transcript NM_002617.4 (MANE Select); coding-DNA position 29, A replaced by G.
Protein change: p.Glu10Gly; replaces glutamic acid 10 with glycine.
Molecular consequence: missense variant. On other transcripts: intron variant (2).
Genome position (GRCh38, 1-based): chr1:2,412,474, T>C on the plus strand (A>G on the coding strand, the complement: PEX10 is on the minus strand). VCF-style: chr1-2412474-T-C. GRCh37 (hg19) VCF-style: chr1-2343913-T-C.
Other names: c.29A>G, p.Glu10Gly (NM_001374425.1, NM_153818.2); c.-321+1123A>G (NM_001374427.1, NM_001374426.1); short protein forms E10G.
Identifiers: ClinVar variation 1467961 (VCV001467961.3), dbSNP rs1367685379, ClinGen allele CA337990695.
Genomic context (GRCh38, chr1:2,412,474, plus strand): 5'-CCCGCCGCGCTCCGCAGCCCACCGCGGTAGTACTCGTCCTTCTGCGCCGCGCGGATCACC[T>C]CCGGGGGGCTGGCGGCGGCCGGGGCCATGGCCGCGGGTTCGGGTGGTCCCGAGCAGCCAC-3'
Protein context (NP_002608.1, residues 1-20): MAPAAASPP[Glu10Gly]VIRAAQKDEY